The following is an entry in ClinVar:

ClinVar aggregate classification (germline): Uncertain significance (1 of 4 stars; one submission).

Allele frequency attached by ClinVar (database versions not stated): TOPMed below 0.00001.
gnomAD v4.1: 2 of 1,614,020 alleles (0.00012%); highest among the groups gnomAD compares: Non-Finnish European, 0.00017%; no homozygotes.

Submission:

Labcorp Genetics (formerly Invitae), Labcorp
Classification: Uncertain significance. Last evaluated: 2022-10-17. Review status: criteria provided, single submitter. Criteria: Invitae Variant Classification Sherloc (09022015). Collection method: clinical testing. Allele origin: germline.
Comment: This sequence change replaces glycine, which is neutral and non-polar, with cysteine, which is neutral and slightly polar, at codon 320 of the BSND protein (p.Gly320Cys). This variant is not present in population databases (gnomAD no frequency). This variant has not been reported in the literature in individuals affected with BSND-related conditions. ClinVar contains an entry for this variant (Variation ID: 1396544). Algorithms developed to predict the effect of missense changes on protein structure and function are either unavailable or do not agree on the potential impact of this missense change (SIFT: "Deleterious"; PolyPhen-2: "Probably Damaging"; Align-GVGD: "Class C0"). In summary, the available evidence is currently insufficient to determine the role of this variant in disease. Therefore, it has been classified as a Variant of Uncertain Significance.

NM_057176.3(BSND):c.958G>T (p.Gly320Cys)

Gene: BSND (barttin CLCNK type accessory subunit beta; plus strand). Cytogenetic location: 1p32.3.
Variant type: single nucleotide variant.
Coding change: c.958G>T on transcript NM_057176.3 (MANE Select); coding-DNA position 958, G replaced by T.
Protein change: p.Gly320Cys; replaces glycine 320 with cysteine.
Molecular consequence: missense variant.
Genome position (GRCh38, 1-based): chr1:55,008,623, G>T. VCF-style: chr1-55008623-G-T. GRCh37 (hg19) VCF-style: chr1-55474296-G-T.
Other names: short protein forms G320C.
Identifiers: ClinVar variation 1396544 (VCV001396544.3), dbSNP rs1268170152, ClinGen allele CA340479883.
Genomic context (GRCh38, chr1:55,008,623, plus strand): 5'-CCAGATGGAGCCGGGGACCTCCTCCCGGACAAGGAGCTGGGTTTTGAGCCTGACACCCAA[G>T]GCTGAGATGTTTGTGCTCCGTAGCTTCTAGTCTGGAACTGCTGCTGACCCCTGTGTGACA-3'
Protein context (NP_476517.1, residues 310-320): KELGFEPDTQ[Gly320Cys]